The following is an entry in ClinVar:

ClinVar aggregate classification (germline): Pathogenic/Likely pathogenic. Review status: criteria provided, multiple submitters, no conflicts (2 of 4 stars). 2 submissions from 2 submitters: Pathogenic (1); Likely pathogenic (1). Last evaluated 2025-03-18.

Conditions:
Nemaline myopathy. Also called: Myopathies, Nemaline. Identifiers: Orphanet 607, MedGen C0206157, MONDO:0018958.
Nemaline myopathy 2 (NEM2). Also called: Nemaline myopathy 2, autosomal recessive. Identifiers: MedGen C1850569, MONDO:0009725, OMIM 256030.

gnomAD v4.1: 1 of 1,609,738 alleles (0.000062%); highest among the groups gnomAD compares: Non-Finnish European, 0.000085%; no homozygotes.

Submissions (2):

Broad Center for Mendelian Genomics, Broad Institute of MIT and Harvard
Classification: Likely pathogenic for Nemaline myopathy. Last evaluated: 2025-03-18. Review status: criteria provided, single submitter. Criteria: ACMG Guidelines, 2015. Collection method: curation. Allele origin: germline. Inheritance: Autosomal recessive inheritance.
Comment: The p.Lys1297Ter variant in NEB has not been previously reported in the literature in individuals with nemaline myopathy, but has been identified in 0.00009% (1/1176060) of European (non-Finnish) chromosomes by the Genome Aggregation Database (gnomAD). Although this variant has been seen in the general population in a heterozygous state, its frequency is low enough to be consistent with a recessive carrier frequency. This variant has also been reported in ClinVar (Variation ID: 2013365) and has been interpreted as pathogenic by Invitae. This nonsense variant leads to a premature termination codon at position 1297, which is predicted to lead to a truncated or absent protein. Loss of function of the NEB gene is an established disease mechanism in autosomal recessive nemaline myopathy. In summary, although additional studies are required to fully establish its clinical significance, this variant is likely pathogenic for autosomal recessive nemaline myopathy. ACMG/AMP Criteria applied: PVS1, PM2_supporting (Richards 2015).

Labcorp Genetics (formerly Invitae), Labcorp
Classification: Pathogenic for Nemaline myopathy 2. Last evaluated: 2022-07-02. Review status: criteria provided, single submitter. Criteria: Invitae Variant Classification Sherloc (09022015). Collection method: clinical testing. Allele origin: germline.
Comment: This variant is not present in population databases (gnomAD no frequency). This sequence change creates a premature translational stop signal (p.Lys1297*) in the NEB gene. It is expected to result in an absent or disrupted protein product. Loss-of-function variants in NEB are known to be pathogenic (PMID: 25205138). For these reasons, this variant has been classified as Pathogenic. This variant has not been reported in the literature in individuals affected with NEB-related conditions.

Literature cited by the submitters: PubMed 25205138 (cited by Labcorp Genetics (formerly Invitae), Labcorp).

NM_001164508.2(NEB):c.3889A>T (p.Lys1297Ter)

Gene: NEB (nebulin; minus strand). Cytogenetic location: 2q23.3.
Variant type: single nucleotide variant.
Coding change: c.3889A>T on transcript NM_001164508.2 (MANE Select); coding-DNA position 3889, A replaced by T.
Protein change: p.Lys1297Ter; replaces lysine 1297 with a stop codon.
Molecular consequence: nonsense.
Genome position (GRCh38, 1-based): chr2:151,674,575, T>A on the plus strand (A>T on the coding strand, the complement: NEB is on the minus strand). VCF-style: chr2-151674575-T-A. GRCh37 (hg19) VCF-style: chr2-152531089-T-A.
Other names: NM_001164508.2(NEB):c.3889A>T; p.Lys1297Ter; c.3889A>T, p.Lys1297Ter (NM_001164507.2, NM_001271208.2, NM_004543.5); short protein forms K1297*.
Identifiers: ClinVar variation 2013365 (VCV002013365.5), dbSNP rs1281421540, ClinGen allele CA348817820.